The following is an entry in ClinVar:

NM_001384140.1(PCDH15):c.2424G>C (p.Lys808Asn)

Gene: PCDH15 (protocadherin related 15; minus strand). Cytogenetic location: 10q21.1.
Variant type: single nucleotide variant.
Coding change: c.2424G>C on transcript NM_001384140.1 (MANE Select); coding-DNA position 2424, G replaced by C.
Protein change: p.Lys808Asn; replaces lysine 808 with asparagine.
Molecular consequence: missense variant.
Genome position (GRCh38, 1-based): chr10:54,022,994, C>G on the plus strand (G>C on the coding strand, the complement: PCDH15 is on the minus strand). VCF-style: chr10-54022994-C-G. GRCh37 (hg19) VCF-style: chr10-55782754-C-G.
Other names: c.2439G>C, p.Lys813Asn (NM_001142763.2, NM_001142771.2); c.2424G>C, p.Lys808Asn (NM_001142764.2, NM_001142766.2, NM_001142770.3 and 5 more transcripts); c.2211G>C, p.Lys737Asn (NM_001142765.2); c.2313G>C, p.Lys771Asn (NM_001142767.2); c.2358G>C, p.Lys786Asn (NM_001142768.2, NM_001142773.2, NM_001354404.2); c.2460G>C, p.Lys820Asn (NM_001142769.4); c.2445G>C, p.Lys815Asn (NM_001354411.2); short protein forms K808N, K813N, K737N, K771N, K815N, K820N, K786N.
Identifiers: ClinVar variation 46450 (VCV000046450.29), dbSNP rs375855445, ClinGen allele CA138384.
Genomic context (GRCh38, chr10:54,022,994, plus strand): 5'-AACAAGGACAGTGTATGTTGAATTGGTGAACACAGGACTGTTATCATCAATGTCCAAAAC[C>G]TTGATGGCCAAGGTTAGAGTTGAATGACGAGGGTGTACTGCTCCATCTGTTGCCACAACA-3'
Protein context (NP_001371069.1, residues 798-818): PRHSTLTLAI[Lys808Asn]VLDIDDNSPV

ClinVar aggregate classification (germline): Conflicting classifications of pathogenicity. Review status: criteria provided, conflicting classifications (1 of 4 stars). 7 submissions from 7 submitters: Uncertain significance (4); Likely benign (2). 1 of the submissions does not count toward it. Last evaluated 2026-01-20.

Conditions:
Usher syndrome type 1F (USH1F). Also called: USHER SYNDROME, TYPE IF. Identifiers: Orphanet 231169, Orphanet 886, MedGen C1865885, MONDO:0011186, OMIM 602083.

Allele frequency attached by ClinVar (database versions not stated): ESP Exome Variant Server 0.00015; gnomAD 0.00016 and 0.00018; gnomAD exomes 0.00016 and 0.00019; ExAC 0.00018; TOPMed 0.00020.
gnomAD v4.1: 261 of 1,613,810 alleles (0.016%); highest among the groups gnomAD compares: Admixed American, 0.077%; no homozygotes.

Submissions (7):

Labcorp Genetics (formerly Invitae), Labcorp
Classification: Likely benign. Last evaluated: 2026-01-20. Review status: criteria provided, single submitter. Criteria: Invitae Variant Classification Sherloc (09022015). Collection method: clinical testing. Allele origin: germline.

GeneDx
Classification: Uncertain significance. Last evaluated: 2025-04-29. Review status: criteria provided, single submitter. Criteria: GeneDx Variant Classification Process June 2021. Collection method: clinical testing. Allele origin: germline. Affected: yes.
Comment: Identified in a cohort of individuals with syndromic and nonsyndromic blindness (PMID: 32483926); patient clinical information not provided; In silico analysis indicates that this missense variant does not alter protein structure/function; This variant is associated with the following publications: (PMID: 32483926, 15537665)

Blueprint Genetics
Classification: Likely benign. Last evaluated: 2024-06-05. Review status: criteria provided, single submitter. Criteria: ACMG Guidelines, 2015. Collection method: clinical testing. Allele origin: germline.

Eurofins Ntd Llc (ga)
Classification: Uncertain significance. Last evaluated: 2018-07-06. Review status: criteria provided, single submitter. Criteria: EGL ClinVar v180209 classification definitions. Collection method: clinical testing. Allele origin: germline. Observed: 1 variant allele, 1 heterozygote.

ARUP Laboratories, Molecular Genetics and Genomics, ARUP Laboratories
Classification: Uncertain significance. Last evaluated: 2016-10-28. Review status: criteria provided, single submitter. Criteria: ARUP Molecular Germline Variant Investigation Process. Collection method: clinical testing. Allele origin: germline.

Laboratory for Molecular Medicine, Mass General Brigham Personalized Medicine
Classification: Uncertain significance. Last evaluated: 2015-11-30. Review status: criteria provided, single submitter. Criteria: LMM Criteria. Collection method: clinical testing. Allele origin: germline. Observed: 2 variant alleles.
Comment: proposed classification - variant undergoing re-assessment, contact laboratory

Natera, Inc.
Classification: Uncertain significance for Usher syndrome type 1F. Last evaluated: 2020-01-07. Review status: no assertion criteria provided. Collection method: clinical testing. Allele origin: germline. Not counted in ClinVar's aggregate classification.